The following is an entry in ClinVar:

NM_170699.3(GPBAR1):c.695T>G (p.Leu232Arg)

Gene: GPBAR1 (G protein-coupled bile acid receptor 1; plus strand). Cytogenetic location: 2q35.
Variant type: single nucleotide variant.
Coding change: c.695T>G on transcript NM_170699.3 (MANE Select); coding-DNA position 695, T replaced by G.
Protein change: p.Leu232Arg; replaces leucine 232 with arginine.
Molecular consequence: missense variant.
Genome position (GRCh38, 1-based): chr2:218,263,419, T>G. VCF-style: chr2-218263419-T-G. GRCh37 (hg19) VCF-style: chr2-219128142-T-G.
Other names: c.695T>G, p.Leu232Arg (NM_001077191.2, NM_001077194.2, NM_001321950.2); short protein forms L232R.
Identifiers: ClinVar variation 4977831 (VCV004977831.1).
Genomic context (GRCh38, chr2:218,263,419, plus strand): 5'-CCGCCCTGGCCCGGGCCCTTACCTGGAGGCAGGCAAGGGCACAGGCTGGAGCCATGCTGC[T>G]CTTCGGGCTGTGCTGGGGGCCCTACGTGGCCACACTGCTCCTCTCAGTCCTGGCCTATGA-3'
Protein context (NP_733800.1, residues 222-242): QARAQAGAML[Leu232Arg]FGLCWGPYVA

ClinVar aggregate classification (germline): Uncertain significance (1 of 4 stars; one submission).

Conditions:
GPBAR1-related disorder. Also called: GPBAR1-related condition.

Submission:

PreventionGenetics, part of Exact Sciences
Classification: Uncertain significance for GPBAR1-related condition. Last evaluated: 2026-02-13. Review status: criteria provided, single submitter. Criteria: ACMG Guidelines, 2015. Collection method: clinical testing. Allele origin: germline.
Comment: The GPBAR1 c.695T>G variant is predicted to result in the amino acid substitution p.Leu232Arg. To our knowledge, this variant has not been reported in the literature. This variant is reported in 0.0092% of alleles in individuals of Latino descent in gnomAD. At this time, the clinical significance of this variant is uncertain due to the absence of conclusive functional and genetic evidence.